The following is an entry in ClinVar:

ClinVar aggregate classification (germline): Likely benign (1 of 4 stars; one submission).

Allele frequency attached by ClinVar (database versions not stated): 1000 Genomes Project 0.01318; 1000 Genomes Project 30x 0.01483; gnomAD 0.00955; TOPMed 0.00948.
gnomAD v4.1: 2,122 of 765,724 alleles (0.28%); highest among the groups gnomAD compares: African/African-American, 3.1%; 26 homozygotes.

Submission:

GeneDx
Classification: Likely benign. Last evaluated: 2018-06-14. Review status: criteria provided, single submitter. Criteria: GeneDx Variant Classification (06012015). Collection method: clinical testing. Allele origin: germline. Affected: yes.
Comment: This variant is considered likely benign or benign based on one or more of the following criteria: it is a conservative change, it occurs at a poorly conserved position in the protein, it is predicted to be benign by multiple in silico algorithms, and/or has population frequency not consistent with disease.

NM_004544.4(NDUFA10):c.804+122T>C

Gene: NDUFA10 (NADH:ubiquinone oxidoreductase subunit A10; minus strand). Cytogenetic location: 2q37.3.
Variant type: single nucleotide variant.
Coding change: c.804+122T>C on transcript NM_004544.4 (MANE Select); 122 bases into the intron after coding-DNA position 804, T replaced by C.
Molecular consequence: intron variant.
Genome position (GRCh38, 1-based): chr2:240,007,194, A>G on the plus strand (T>C on the coding strand, the complement: NDUFA10 is on the minus strand). VCF-style: chr2-240007194-A-G. GRCh37 (hg19) VCF-style: chr2-240946611-A-G.
Other names: c.804+122T>C (NM_001322020.2, NM_001322019.2).
Identifiers: ClinVar variation 677603 (VCV000677603.1), dbSNP rs114466901, ClinGen allele CA68056853.